The following is an entry in ClinVar:

NM_003640.5(ELP1):c.943A>G (p.Ile315Val)

Gene: ELP1 (elongator acetyltransferase complex subunit 1; minus strand). Cytogenetic location: 9q31.3.
Variant type: single nucleotide variant.
Coding change: c.943A>G on transcript NM_003640.5 (MANE Select); coding-DNA position 943, A replaced by G.
Protein change: p.Ile315Val; replaces isoleucine 315 with valine.
Molecular consequence: missense variant. On other transcripts: 5 prime UTR variant (1).
Genome position (GRCh38, 1-based): chr9:108,916,219, T>C on the plus strand (A>G on the coding strand, the complement: ELP1 is on the minus strand). VCF-style: chr9-108916219-T-C. GRCh37 (hg19) VCF-style: chr9-111678499-T-C.
Other names: c.601A>G, p.Ile201Val (NM_001318360.2); c.-105A>G (NM_001330749.2); c.943A>G (NM_003640.4); short protein forms I201V, I315V.
Identifiers: ClinVar variation 2163503 (VCV002163503.6), dbSNP rs776727368, ClinGen allele CA5175189.

ClinVar aggregate classification (germline): Uncertain significance. Review status: criteria provided, multiple submitters, no conflicts (2 of 4 stars). 4 submissions from 4 submitters: Uncertain significance (4). Last evaluated 2026-03-25.

Conditions:
ELP1-related disorder. Also called: ELP1-related condition.

Allele frequency attached by ClinVar (database versions not stated): gnomAD exomes below 0.00001; ExAC 0.00001; gnomAD 0.00001; TOPMed 0.00002.
gnomAD v4.1: 8 of 1,613,946 alleles (0.0005%); highest among the groups gnomAD compares: Admixed American, 0.0033%; no homozygotes.

Submissions (4):

PreventionGenetics, part of Exact Sciences
Classification: Uncertain significance for ELP1-related condition. Last evaluated: 2026-03-25. Review status: criteria provided, single submitter. Criteria: ACMG Guidelines, 2015. Collection method: clinical testing. Allele origin: germline.
Comment: The ELP1 c.943A>G variant is predicted to result in the amino acid substitution p.Ile315Val. To our knowledge, this variant has not been reported in the literature. This variant is reported in 0.0058% of alleles in individuals of Latino descent in gnomAD. At this time, the clinical significance of this variant is uncertain due to the absence of conclusive functional and genetic evidence.

Ambry Genetics
Classification: Uncertain significance. Last evaluated: 2025-08-01. Review status: criteria provided, single submitter. Criteria: Ambry Variant Classification Scheme 2023. Collection method: clinical testing. Allele origin: germline.

GeneDx
Classification: Uncertain significance. Last evaluated: 2024-11-07. Review status: criteria provided, single submitter. Criteria: GeneDx Variant Classification Process June 2021. Collection method: clinical testing. Allele origin: germline. Affected: yes.
Comment: Not observed at significant frequency in large population cohorts (gnomAD); In silico analysis indicates that this missense variant does not alter protein structure/function; Has not been previously published as pathogenic or benign to our knowledge

Labcorp Genetics (formerly Invitae), Labcorp
Classification: Uncertain significance. Last evaluated: 2022-07-30. Review status: criteria provided, single submitter. Criteria: Invitae Variant Classification Sherloc (09022015). Collection method: clinical testing. Allele origin: germline.
Comment: This sequence change replaces isoleucine, which is neutral and non-polar, with valine, which is neutral and non-polar, at codon 315 of the ELP1 protein (p.Ile315Val). This variant is present in population databases (rs776727368, gnomAD 0.006%). This variant has not been reported in the literature in individuals affected with ELP1-related conditions. Algorithms developed to predict the effect of missense changes on protein structure and function output the following: SIFT: "Tolerated"; PolyPhen-2: "Benign"; Align-GVGD: "Class C0". The valine amino acid residue is found in multiple mammalian species, which suggests that this missense change does not adversely affect protein function. In summary, the available evidence is currently insufficient to determine the role of this variant in disease. Therefore, it has been classified as a Variant of Uncertain Significance.